The following is an entry in ClinVar:

NM_002519.3(NPAT):c.2431G>C (p.Glu811Gln)

Gene: NPAT (nuclear protein, coactivator of histone transcription; minus strand). Cytogenetic location: 11q22.3.
Variant type: single nucleotide variant.
Coding change: c.2431G>C on transcript NM_002519.3 (MANE Select); coding-DNA position 2431, G replaced by C.
Protein change: p.Glu811Gln; replaces glutamic acid 811 with glutamine.
Molecular consequence: missense variant.
Genome position (GRCh38, 1-based): chr11:108,172,553, C>G on the plus strand (G>C on the coding strand, the complement: NPAT is on the minus strand). VCF-style: chr11-108172553-C-G. GRCh37 (hg19) VCF-style: chr11-108043280-C-G.
Other names: c.2431G>C, p.Glu811Gln (NM_001321307.1); short protein forms E811Q.
Identifiers: ClinVar variation 3300615 (VCV003300615.1).

ClinVar aggregate classification (germline): Uncertain significance (1 of 4 stars; one submission).

Submission:

Ambry Genetics
Classification: Uncertain significance. Last evaluated: 2024-04-22. Review status: criteria provided, single submitter. Criteria: Ambry Variant Classification Scheme 2023. Collection method: clinical testing. Allele origin: germline.
Comment: The p.E811Q variant (also known as c.2431G>C), located in coding exon 13 of the NPAT gene, results from a G to C substitution at nucleotide position 2431. The glutamic acid at codon 811 is replaced by glutamine, an amino acid with highly similar properties. This amino acid position is conserved. In addition, this alteration is predicted to be tolerated by in silico analysis. Based on the available evidence, the clinical significance of this variant remains unclear.